The following is an entry in ClinVar:

NM_000297.4(PKD2):c.2592del (p.Ile864fs)

Gene: PKD2 (polycystin 2, transient receptor potential cation channel; plus strand). Cytogenetic location: 4q22.1.
Variant type: Deletion.
Coding change: c.2592del on transcript NM_000297.4 (MANE Select); coding-DNA position 2592, one base deleted (C; older notation c.2592delC).
Protein change: p.Ile864fs; shifts the reading frame from isoleucine 864.
Molecular consequence: frameshift variant. On other transcripts: non-coding transcript variant (1).
Genome position (GRCh38, 1-based): chr4:88,074,881, C deleted. VCF-style (leftmost placement, unchanged base first): chr4-88074880-TC-T. GRCh37 (hg19) VCF-style: chr4-88996032-TC-T.
Other names: short protein forms I864fs.
Identifiers: ClinVar variation 3381982 (VCV003381982.2).

ClinVar aggregate classification (germline): Pathogenic (1 of 4 stars; one submission).

Conditions:
Polycystic kidney disease 2 (PKD2). Also called: POLYCYSTIC KIDNEY DISEASE, ADULT, TYPE II; Polycystic Kidney Disease 2, Autosomal Dominant; POLYCYSTIC KIDNEY DISEASE 2 WITH OR WITHOUT POLYCYSTIC LIVER DISEASE. Identifiers: MedGen C2751306, MONDO:0013131, OMIM 613095.

Submission:

Juno Genomics, Hangzhou Juno Genomics, Inc
Classification: Pathogenic for Polycystic kidney disease 2. Review status: criteria provided, single submitter. Criteria: ACMG Guidelines, 2015. Collection method: clinical testing. Allele origin: germline. Affected: yes.
Comment: Null variant in a gene where loss of function (LOF) is a known mechanism of disease.;Patient's phenotype or family history is highly specific for a disease with a single genetic etiology.;Absent from controls (or at extremely low frequency if recessive) in Genome Aggregation Database, Exome Sequencing Project, 1000 Genomes Project, or Exome Aggregation Consortium.